The following is an entry in ClinVar:

NM_005529.7(HSPG2):c.6518G>A (p.Cys2173Tyr)

Genes: HSPG2 (heparan sulfate proteoglycan 2; minus strand), LOC126805655 (CDK7 strongly-dependent group 2 enhancer GRCh37_chr1:22178409-22179608; plus strand). Cytogenetic location: 1p36.12.
Variant type: single nucleotide variant.
Coding change: c.6518G>A on transcript NM_005529.7 (MANE Select); coding-DNA position 6518, G replaced by A.
Protein change: p.Cys2173Tyr; replaces cysteine 2173 with tyrosine.
Molecular consequence: missense variant.
Genome position (GRCh38, 1-based): chr1:21,852,992, C>T on the plus strand (G>A on the coding strand, the complement: HSPG2 is on the minus strand). VCF-style: chr1-21852992-C-T. GRCh37 (hg19) VCF-style: chr1-22179485-C-T.
Other names: c.6518G>A (NM_005529.5); c.6521G>A, p.Cys2174Tyr (NM_001291860.2); short protein forms C2174Y, C2173Y.
Identifiers: ClinVar variation 1932118 (VCV001932118.5), dbSNP rs1254179505, ClinGen allele CA338930486.

ClinVar aggregate classification (germline): Uncertain significance. Review status: criteria provided, multiple submitters, no conflicts (2 of 4 stars). 2 submissions from 2 submitters: Uncertain significance (2). Last evaluated 2022-09-24.

Allele frequency attached by ClinVar (database versions not stated): gnomAD 0.00001; TOPMed 0.00002.
gnomAD v4.1: 2 of 1,613,642 alleles (0.00012%); highest among the groups gnomAD compares: East Asian, 0.0022%; no homozygotes.

Submissions (2):

Labcorp Genetics (formerly Invitae), Labcorp
Classification: Uncertain significance. Last evaluated: 2022-09-24. Review status: criteria provided, single submitter. Criteria: Invitae Variant Classification Sherloc (09022015). Collection method: clinical testing. Allele origin: germline.
Comment: This sequence change replaces cysteine, which is neutral and slightly polar, with tyrosine, which is neutral and polar, at codon 2173 of the HSPG2 protein (p.Cys2173Tyr). This variant is present in population databases (no rsID available, gnomAD 0.02%). This variant has not been reported in the literature in individuals affected with HSPG2-related conditions. Algorithms developed to predict the effect of missense changes on protein structure and function are either unavailable or do not agree on the potential impact of this missense change (SIFT: "Tolerated"; PolyPhen-2: "Probably Damaging"; Align-GVGD: "Class C0"). In summary, the available evidence is currently insufficient to determine the role of this variant in disease. Therefore, it has been classified as a Variant of Uncertain Significance.

Revvity Omics, Revvity
Classification: Uncertain significance. Last evaluated: 2019-04-26. Review status: criteria provided, single submitter. Criteria: ACMG Guidelines, 2015. Collection method: clinical testing. Allele origin: germline.